The following is an entry in ClinVar:

NM_001040108.2(MLH3):c.3466-4C>T

Gene: MLH3 (mutL homolog 3; minus strand). Cytogenetic location: 14q24.3.
Variant type: single nucleotide variant.
Coding change: c.3466-4C>T on transcript NM_001040108.2 (MANE Select); 4 bases into the intron before coding-DNA position 3466, C replaced by T.
Molecular consequence: intron variant.
Genome position (GRCh38, 1-based): chr14:75,040,019, G>A on the plus strand (C>T on the coding strand, the complement: MLH3 is on the minus strand). VCF-style: chr14-75040019-G-A. GRCh37 (hg19) VCF-style: chr14-75506722-G-A.
Other names: c.3466-4C>T (NM_014381.3).
Identifiers: ClinVar variation 4875857 (VCV004875857.1).

ClinVar aggregate classification (germline): Likely benign (1 of 4 stars; one submission).

Conditions:
Colorectal cancer, hereditary nonpolyposis, type 7. Identifiers: Orphanet 144, MedGen C1858380, MONDO:0013725, OMIM 614385.

Submission:

Myriad Genetics, Inc.
Classification: Likely benign for Colorectal cancer, hereditary nonpolyposis, type 7. Last evaluated: 2026-04-28. Review status: criteria provided, single submitter. Criteria: Myriad Autosomal Dominant, Autosomal Recessive and X-Linked Classification Criteria (2023). Collection method: clinical testing. Allele origin: unknown.
Comment: This variant is considered likely benign. This variant is intronic and is not expected to impact mRNA splicing.